The following is an entry in ClinVar:

ClinVar aggregate classification (germline): Likely benign (0 of 4 stars; one submission).

Conditions:
ZBTB11-related disorder. Also called: ZBTB11-related condition.

Allele frequency attached by ClinVar (database versions not stated): TOPMed below 0.00001; gnomAD 0.00001; gnomAD exomes 0.00002.
gnomAD v4.1: 30 of 1,613,838 alleles (0.0019%); highest among the groups gnomAD compares: Non-Finnish European, 0.0024%; no homozygotes.

Submission:

PreventionGenetics, part of Exact Sciences
Classification: Likely benign for ZBTB11-related condition. Last evaluated: 2019-08-30. Review status: no assertion criteria provided. Collection method: clinical testing. Allele origin: germline.
Comment: This variant is classified as likely benign based on ACMG/AMP sequence variant interpretation guidelines (Richards et al. 2015 PMID: 25741868, with internal and published modifications).

NM_014415.4(ZBTB11):c.1719A>G (p.Glu573=)

Gene: ZBTB11 (zinc finger and BTB domain containing 11; minus strand). Cytogenetic location: 3q12.3.
Variant type: single nucleotide variant.
Coding change: c.1719A>G on transcript NM_014415.4 (MANE Select); coding-DNA position 1719, A replaced by G.
Protein change: p.Glu573=; no amino-acid change (glutamic acid 573 retained).
Molecular consequence: synonymous variant.
Genome position (GRCh38, 1-based): chr3:101,664,619, T>C on the plus strand (A>G on the coding strand, the complement: ZBTB11 is on the minus strand). VCF-style: chr3-101664619-T-C. GRCh37 (hg19) VCF-style: chr3-101383463-T-C.
Identifiers: ClinVar variation 3049773 (VCV003049773.2), dbSNP rs1226731437, ClinGen allele CA434729426.